The following is an entry in ClinVar:

ClinVar aggregate classification (germline): Uncertain significance. Review status: criteria provided, multiple submitters, no conflicts (2 of 4 stars). 2 submissions from 2 submitters: Uncertain significance (2). Last evaluated 2025-01-08.

Conditions:
Baller-Gerold syndrome (BGS). Also called: CRANIOSYNOSTOSIS WITH RADIAL DEFECTS. Identifiers: Orphanet 1225, MedGen C0265308, MONDO:0009039, OMIM 218600.
Inborn genetic diseases. Identifiers: MedGen C0950123, MeSH D030342.

Allele frequency attached by ClinVar (database versions not stated): gnomAD 0.00001.
gnomAD v4.1: 2 of 1,586,134 alleles (0.00013%); highest among the groups gnomAD compares: African/African-American, 0.0027%; no homozygotes.

Submissions (2):

Ambry Genetics
Classification: Uncertain significance for Inborn genetic diseases. Last evaluated: 2025-01-08. Review status: criteria provided, single submitter. Criteria: Ambry Variant Classification Scheme 2023. Collection method: clinical testing. Allele origin: germline.
Comment: The p.T643R variant (also known as c.1928C>G), located in coding exon 12 of the RECQL4 gene, results from a C to G substitution at nucleotide position 1928. The threonine at codon 643 is replaced by arginine, an amino acid with similar properties. This amino acid position is conserved. In addition, this alteration is predicted to be deleterious by in silico analysis. Based on the available evidence, the clinical significance of this variant remains unclear.

Labcorp Genetics (formerly Invitae), Labcorp
Classification: Uncertain significance for Baller-Gerold syndrome. Last evaluated: 2024-10-12. Review status: criteria provided, single submitter. Criteria: Invitae Variant Classification Sherloc (09022015). Collection method: clinical testing. Allele origin: germline.
Comment: This sequence change replaces threonine, which is neutral and polar, with arginine, which is basic and polar, at codon 643 of the RECQL4 protein (p.Thr643Arg). This variant is present in population databases (no rsID available, gnomAD 0.01%). This variant has not been reported in the literature in individuals affected with RECQL4-related conditions. ClinVar contains an entry for this variant (Variation ID: 1365741). Invitae Evidence Modeling of protein sequence and biophysical properties (such as structural, functional, and spatial information, amino acid conservation, physicochemical variation, residue mobility, and thermodynamic stability) indicates that this missense variant is expected to disrupt RECQL4 protein function with a positive predictive value of 80%. In summary, the available evidence is currently insufficient to determine the role of this variant in disease. Therefore, it has been classified as a Variant of Uncertain Significance.

NM_004260.4(RECQL4):c.1928C>G (p.Thr643Arg)

Gene: RECQL4 (RecQ like helicase 4; minus strand). Cytogenetic location: 8q24.3.
Variant type: single nucleotide variant.
Coding change: c.1928C>G on transcript NM_004260.4 (MANE Select); coding-DNA position 1928, C replaced by G.
Protein change: p.Thr643Arg; replaces threonine 643 with arginine.
Molecular consequence: missense variant.
Genome position (GRCh38, 1-based): chr8:144,514,058, G>C on the plus strand (C>G on the coding strand, the complement: RECQL4 is on the minus strand). VCF-style: chr8-144514058-G-C. GRCh37 (hg19) VCF-style: chr8-145739442-G-C.
Other names: c.1928C>G (NM_004260.3); short protein forms T643R.
Identifiers: ClinVar variation 1365741 (VCV001365741.7), dbSNP rs1285078612, ClinGen allele CA372680468.